The following is an entry in ClinVar:

NM_001077418.3(TMEM231):c.805G>A (p.Ala269Thr)

Gene: TMEM231 (transmembrane protein 231; minus strand). Cytogenetic location: 16q23.1.
Variant type: single nucleotide variant.
Coding change: c.805G>A on transcript NM_001077418.3 (MANE Select); coding-DNA position 805, G replaced by A.
Protein change: p.Ala269Thr; replaces alanine 269 with threonine.
Molecular consequence: missense variant. On other transcripts: non-coding transcript variant (1).
Genome position (GRCh38, 1-based): chr16:75,540,140, C>T on the plus strand (G>A on the coding strand, the complement: TMEM231 is on the minus strand). VCF-style: chr16-75540140-C-T. GRCh37 (hg19) VCF-style: chr16-75574038-C-T.
Other names: c.964G>A, p.Ala322Thr (NM_001077416.2); c.892G>A (NM_001077416.1); short protein forms A269T, A322T.
Identifiers: ClinVar variation 1303429 (VCV001303429.8), dbSNP rs775383043, ClinGen allele CA8176014.
Genomic context (GRCh38, chr16:75,540,140, plus strand): 5'-TCTTGATTCTTTCAAACACCCAGAGGAAGATAAGCAGGATGCTGACATACTGCACCCAGG[C>T]GAACTTTACCATCTCCCAGAATCCTGGCTGATAAGTATGGACAGTTAAGGAGTGAAGGGC-3'
Protein context (NP_001070886.1, residues 259-279): QPGFWEMVKF[Ala269Thr]WVQYVSILLI

ClinVar aggregate classification (germline): Uncertain significance. Review status: criteria provided, multiple submitters, no conflicts (2 of 4 stars). 4 submissions from 4 submitters: Uncertain significance (4). Last evaluated 2024-04-18.

Conditions:
Joubert syndrome 20 (JBTS20). Identifiers: Orphanet 475, MedGen C3554235, MONDO:0013994, OMIM 614970.
Meckel syndrome, type 11 (MKS11). Identifiers: Orphanet 564, MedGen C3809352, MONDO:0014164, OMIM 615397.
Inborn genetic diseases. Identifiers: MedGen C0950123, MeSH D030342.

Allele frequency attached by ClinVar (database versions not stated): ExAC 0.00001; gnomAD exomes 0.00001; TOPMed 0.00001; gnomAD 0.00002.
gnomAD v4.1: 19 of 1,613,396 alleles (0.0012%); highest among the groups gnomAD compares: East Asian, 0.0045%; no homozygotes.

Submissions (4):

Fulgent Genetics
Classification: Uncertain significance for Joubert syndrome 20; Meckel syndrome, type 11. Last evaluated: 2024-04-18. Review status: criteria provided, single submitter. Criteria: ACMG Guidelines, 2015. Collection method: clinical testing. Allele origin: germline.

Ambry Genetics
Classification: Uncertain significance for Inborn genetic diseases. Last evaluated: 2022-10-27. Review status: criteria provided, single submitter. Criteria: Ambry Variant Classification Scheme 2023. Collection method: clinical testing. Allele origin: germline.

Labcorp Genetics (formerly Invitae), Labcorp
Classification: Uncertain significance for Joubert syndrome 20; Meckel syndrome, type 11. Last evaluated: 2022-10-17. Review status: criteria provided, single submitter. Criteria: Invitae Variant Classification Sherloc (09022015). Collection method: clinical testing. Allele origin: germline.
Comment: In summary, the available evidence is currently insufficient to determine the role of this variant in disease. Therefore, it has been classified as a Variant of Uncertain Significance. Algorithms developed to predict the effect of missense changes on protein structure and function are either unavailable or do not agree on the potential impact of this missense change (SIFT: "Tolerated"; PolyPhen-2: "Not Available"; Align-GVGD: "Class C0"). ClinVar contains an entry for this variant (Variation ID: 1303429). This variant has not been reported in the literature in individuals affected with TMEM231-related conditions. The frequency data for this variant in the population databases is considered unreliable, as metrics indicate poor data quality at this position in the gnomAD database. This sequence change replaces alanine, which is neutral and non-polar, with threonine, which is neutral and polar, at codon 322 of the TMEM231 protein (p.Ala322Thr).

GeneDx
Classification: Uncertain significance. Last evaluated: 2019-12-30. Review status: criteria provided, single submitter. Criteria: GeneDx Variant Classification Process June 2021. Collection method: clinical testing. Allele origin: germline. Affected: yes.
Comment: Not observed at a significant frequency in large population cohorts (Lek et al., 2016); In silico analysis, which includes protein predictors and evolutionary conservation, supports a deleterious effect; In-silico analysis, which includes splice predictors and evolutionary conservation, is inconclusive as to whether the variant alters gene splicing. In the absence of RNA/functional studies, the actual effect of this sequence change is unknown.; Has not been previously published as pathogenic or benign to our knowledge